The following is an entry in ClinVar:

NM_001378457.1(DMXL2):c.2729G>A (p.Trp910Ter)

Gene: DMXL2 (Dmx like 2; minus strand). Cytogenetic location: 15q21.2.
Variant type: single nucleotide variant.
Coding change: c.2729G>A on transcript NM_001378457.1 (MANE Select); coding-DNA position 2729, G replaced by A.
Protein change: p.Trp910Ter; replaces tryptophan 910 with a stop codon.
Molecular consequence: nonsense. On other transcripts: non-coding transcript variant (2).
Genome position (GRCh38, 1-based): chr15:51,507,169, C>T on the plus strand (G>A on the coding strand, the complement: DMXL2 is on the minus strand). VCF-style: chr15-51507169-C-T. GRCh37 (hg19) VCF-style: chr15-51799366-C-T.
Other names: c.2729G>A, p.Trp910Ter (NM_001174116.3, NM_001174117.3, NM_001378458.1 and 6 more transcripts); c.2489G>A, p.Trp830Ter (NM_001378464.1); short protein forms W830*, W910*.
Identifiers: ClinVar variation 4719928 (VCV004719928.1).

ClinVar aggregate classification (germline): Pathogenic (1 of 4 stars; one submission).

Submission:

Labcorp Genetics (formerly Invitae), Labcorp
Classification: Pathogenic. Last evaluated: 2025-07-16. Review status: criteria provided, single submitter. Criteria: Invitae Variant Classification Sherloc (09022015). Collection method: clinical testing. Allele origin: germline.
Comment: This sequence change creates a premature translational stop signal (p.Trp910*) in the DMXL2 gene. It is expected to result in an absent or disrupted protein product. Loss-of-function variants in DMXL2 are known to be pathogenic (PMID: 30237576, 31688942). This variant is not present in population databases (gnomAD no frequency). This variant has not been reported in the literature in individuals affected with DMXL2-related conditions. Algorithms developed to predict the effect of sequence changes on RNA splicing suggest that this variant may disrupt the consensus splice site. For these reasons, this variant has been classified as Pathogenic.

Literature cited by the submitters: PubMed 30237576; PubMed 31688942.